The following is an entry in ClinVar:

NM_001376.5(DYNC1H1):c.5800G>A (p.Glu1934Lys)

Gene: DYNC1H1 (dynein cytoplasmic 1 heavy chain 1; plus strand). Cytogenetic location: 14q32.31.
Variant type: single nucleotide variant.
Coding change: c.5800G>A on transcript NM_001376.5 (MANE Select); coding-DNA position 5800, G replaced by A.
Protein change: p.Glu1934Lys; replaces glutamic acid 1934 with lysine.
Molecular consequence: missense variant.
Genome position (GRCh38, 1-based): chr14:102,007,091, G>A. VCF-style: chr14-102007091-G-A. GRCh37 (hg19) VCF-style: chr14-102473428-G-A.
Other names: short protein forms E1934K.
Identifiers: ClinVar variation 933888 (VCV000933888.7), dbSNP rs1424457974, ClinGen allele CA391049996.

ClinVar aggregate classification (germline): Uncertain significance (1 of 4 stars; one submission).

Conditions:
Charcot-Marie-Tooth disease axonal type 2O. Also called: Charcot-Marie-Tooth disease, axonal, type 20; CHARCOT-MARIE-TOOTH NEUROPATHY, AXONAL, TYPE 2O; CHARCOT-MARIE-TOOTH DISEASE, AXONAL, AUTOSOMAL DOMINANT, TYPE 2O; Charcot-Marie-Tooth Neuropathy Type 2O. Identifiers: Orphanet 284232, MedGen C3280220, MONDO:0013644, OMIM 614228.

Allele frequency attached by ClinVar (database versions not stated): TOPMed below 0.00001; gnomAD 0.00001; gnomAD exomes 0.00001.
gnomAD v4.1: 4 of 1,614,198 alleles (0.00025%); highest among the groups gnomAD compares: Non-Finnish European, 0.00034%; no homozygotes.

Submission:

Labcorp Genetics (formerly Invitae), Labcorp
Classification: Uncertain significance for Charcot-Marie-Tooth disease axonal type 2O. Last evaluated: 2025-03-31. Review status: criteria provided, single submitter. Criteria: Invitae Variant Classification Sherloc (09022015). Collection method: clinical testing. Allele origin: germline.
Comment: This sequence change replaces glutamic acid, which is acidic and polar, with lysine, which is basic and polar, at codon 1934 of the DYNC1H1 protein (p.Glu1934Lys). This variant is not present in population databases (gnomAD no frequency). This variant has not been reported in the literature in individuals affected with DYNC1H1-related conditions. ClinVar contains an entry for this variant (Variation ID: 933888). Invitae Evidence Modeling of protein sequence and biophysical properties (such as structural, functional, and spatial information, amino acid conservation, physicochemical variation, residue mobility, and thermodynamic stability) has been performed for this missense variant. However, the output from this modeling did not meet the statistical confidence thresholds required to predict the impact of this variant on DYNC1H1 protein function. In summary, the available evidence is currently insufficient to determine the role of this variant in disease. Therefore, it has been classified as a Variant of Uncertain Significance.